The following is an entry in ClinVar:

NM_001375524.1(TRRAP):c.10604A>G (p.His3535Arg)

Gene: TRRAP (transformation/transcription domain associated protein; plus strand). Cytogenetic location: 7q22.1.
Variant type: single nucleotide variant.
Coding change: c.10604A>G on transcript NM_001375524.1 (MANE Select); coding-DNA position 10604, A replaced by G.
Protein change: p.His3535Arg; replaces histidine 3535 with arginine.
Molecular consequence: missense variant.
Genome position (GRCh38, 1-based): chr7:99,005,199, A>G. VCF-style: chr7-99005199-A-G. GRCh37 (hg19) VCF-style: chr7-98602822-A-G.
Other names: c.10562A>G, p.His3521Arg (NM_001244580.2); c.10475A>G, p.His3492Arg (NM_003496.4); short protein forms H3492R, H3521R, H3535R.
Identifiers: ClinVar variation 4818892 (VCV004818892.1).

ClinVar aggregate classification (germline): Uncertain significance (1 of 4 stars; one submission).

Conditions:
Developmental delay with or without dysmorphic facies and autism. Identifiers: MedGen C5193106, MONDO:0032760, OMIM 618454.

Submission:

MVZ Medizinische Genetik Mainz
Classification: Uncertain significance for Developmental delay with or without dysmorphic facies and autism. Last evaluated: 2026-02-13. Review status: criteria provided, single submitter. Criteria: UK Practice Guidelines For Variant Classification V4 01 2020. Collection method: clinical testing. Allele origin: germline. Inheritance: Autosomal dominant inheritance. Affected: yes. Observed: 1 variant allele.
Comment: ACMG Criteria: PP3_MOD,PM2_SUP